The following is an entry in ClinVar:

NM_020117.11(LARS1):c.627T>G (p.Asp209Glu)

Gene: LARS1 (leucyl-tRNA synthetase 1; minus strand). Cytogenetic location: 5q32.
Variant type: single nucleotide variant.
Coding change: c.627T>G on transcript NM_020117.11 (MANE Select); coding-DNA position 627, T replaced by G.
Protein change: p.Asp209Glu; replaces aspartic acid 209 with glutamic acid.
Molecular consequence: missense variant.
Genome position (GRCh38, 1-based): chr5:146,160,454, A>C on the plus strand (T>G on the coding strand, the complement: LARS1 is on the minus strand). VCF-style: chr5-146160454-A-C. GRCh37 (hg19) VCF-style: chr5-145540017-A-C.
Other names: c.489T>G, p.Asp163Glu (NM_001317964.2); c.465T>G, p.Asp155Glu (NM_001317965.2); c.546T>G, p.Asp182Glu (NM_016460.4); short protein forms D182E, D209E, D155E, D163E.
Identifiers: ClinVar variation 4767255 (VCV004767255.1).

ClinVar aggregate classification (germline): Uncertain significance (1 of 4 stars; one submission).

gnomAD v4.1: 3 of 1,574,700 alleles (0.00019%); highest among the groups gnomAD compares: East Asian, 0.0072%; no homozygotes.

Submission:

Labcorp Genetics (formerly Invitae), Labcorp
Classification: Uncertain significance. Last evaluated: 2026-01-15. Review status: criteria provided, single submitter. Criteria: Invitae Variant Classification Sherloc (09022015). Collection method: clinical testing. Allele origin: germline.
Comment: This sequence change replaces aspartic acid, which is acidic and polar, with glutamic acid, which is acidic and polar, at codon 209 of the LARS protein (p.Asp209Glu). This variant is present in population databases (rs775913193, gnomAD 0.03%). This variant has not been reported in the literature in individuals affected with LARS-related conditions. Invitae Evidence Modeling of protein sequence and biophysical properties (such as structural, functional, and spatial information, amino acid conservation, physicochemical variation, residue mobility, and thermodynamic stability) indicates that this missense variant is not expected to disrupt LARS protein function with a negative predictive value of 80%. In summary, the available evidence is currently insufficient to determine the role of this variant in disease. Therefore, it has been classified as a Variant of Uncertain Significance.